The following is an entry in ClinVar:

NM_012144.4(DNAI1):c.1535_1541del (p.Phe512fs)

Gene: DNAI1 (dynein axonemal intermediate chain 1; plus strand). Cytogenetic location: 9p13.3.
Variant type: Deletion.
Coding change: c.1535_1541del on transcript NM_012144.4 (MANE Select); coding-DNA positions 1535 to 1541, 7 bases deleted (TCCTAGT; older notation c.1535_1541delTCCTAGT).
Protein change: p.Phe512fs; shifts the reading frame from phenylalanine 512.
Molecular consequence: frameshift variant.
Genome position (GRCh38, 1-based): chr9:34,513,157-34,513,163, TCCTAGT deleted; deleting any 7 consecutive bases within chr9:34,513,155-34,513,163 gives the same sequence; the c. name uses the placement nearest the transcript's 3' end. VCF-style (leftmost placement, unchanged base first): chr9-34513154-TGTTCCTA-T. GRCh37 (hg19) VCF-style: chr9-34513152-TGTTCCTA-T.
Other names: c.1547_1553del, p.Phe516fs (NM_001281428.2); short protein forms F512fs, F516fs.
Identifiers: ClinVar variation 5013229 (VCV005013229.1).

ClinVar aggregate classification (germline): Pathogenic (1 of 4 stars; one submission).

Conditions:
Kartagener syndrome (CILD1). Also called: CILIARY DYSKINESIA, PRIMARY, 1; CILIARY DYSKINESIA, PRIMARY, 1, WITH OR WITHOUT SITUS INVERSUS; IMMOTILE CILIA SYNDROME; POLYNESIAN BRONCHIECTASIS; Dextrocardia bronchiectasis and sinusitis; SIEWERT SYNDROME. Identifiers: Orphanet 244, MedGen C4551906, MONDO:0009484, OMIM 244400.

Submission:

Myriad Genetics, Inc.
Classification: Pathogenic for Kartagener syndrome. Last evaluated: 2024-06-23. Review status: criteria provided, single submitter. Criteria: Myriad Autosomal Dominant, Autosomal Recessive and X-Linked Classification Criteria (2023). Collection method: clinical testing. Allele origin: unknown.
Comment: NM_012144.2(DNAI1):c.1535_1541del7(F512Wfs*52) is expected to be pathogenic in the context of primary ciliary dyskinesia, DNAI1-related. This variant is predicted to lead to an abnormal or absent protein product due to the creation of a premature termination codon in DNAI1, a gene where loss-of-function variants are known to be pathogenic. Please note: this variant was assessed in the context of healthy population screening.